The following is an entry in ClinVar:

ClinVar aggregate classification (germline): Uncertain significance (1 of 4 stars; one submission).

Allele frequency attached by ClinVar (database versions not stated): TOPMed below 0.00001.
gnomAD v4.1: 3 of 1,614,134 alleles (0.00019%); highest among the groups gnomAD compares: Middle Eastern, 0.017%; no homozygotes.

Submission:

Ambry Genetics
Classification: Uncertain significance. Last evaluated: 2024-02-29. Review status: criteria provided, single submitter. Criteria: Ambry Variant Classification Scheme 2023. Collection method: clinical testing. Allele origin: germline.
Comment: The p.M635I variant (also known as c.1905G>A), located in coding exon 3 of the ALPK2 gene, results from a G to A substitution at nucleotide position 1905. The methionine at codon 635 is replaced by isoleucine, an amino acid with highly similar properties. This amino acid position is conserved. In addition, this alteration is predicted to be tolerated by in silico analysis. Since supporting evidence is limited at this time, the clinical significance of this alteration remains unclear.

NM_052947.4(ALPK2):c.1905G>A (p.Met635Ile)

Gene: ALPK2 (alpha kinase 2; minus strand). Cytogenetic location: 18q21.31.
Variant type: single nucleotide variant.
Coding change: c.1905G>A on transcript NM_052947.4 (MANE Select); coding-DNA position 1905, G replaced by A.
Protein change: p.Met635Ile; replaces methionine 635 with isoleucine.
Molecular consequence: missense variant.
Genome position (GRCh38, 1-based): chr18:58,578,871, C>T on the plus strand (G>A on the coding strand, the complement: ALPK2 is on the minus strand). VCF-style: chr18-58578871-C-T. GRCh37 (hg19) VCF-style: chr18-56246103-C-T.
Other names: short protein forms M635I.
Identifiers: ClinVar variation 1782374 (VCV001782374.2), dbSNP rs2051937999, ClinGen allele CA402559555.
Genomic context (GRCh38, chr18:58,578,871, plus strand): 5'-TACCTGAGGAGGATCACTCCAGTCTGGAACCTGGCTTGTTTCAAATAGAGTATTAACTTG[C>T]ATGCCTTCTCCCTTGCAATTTGTGTTGCCTTCTTTGGAGACTGAGTCTGTTGAAGTTTGA-3'
Protein context (NP_443179.3, residues 625-645): EGNTNCKGEG[Met635Ile]QVNTLFETSQ